The following is an entry in ClinVar:

NM_001854.4(COL11A1):c.2020C>T (p.Pro674Ser)

Gene: COL11A1 (collagen type XI alpha 1 chain; minus strand). Cytogenetic location: 1p21.1.
Variant type: single nucleotide variant.
Coding change: c.2020C>T on transcript NM_001854.4 (MANE Select); coding-DNA position 2020, C replaced by T.
Protein change: p.Pro674Ser; replaces proline 674 with serine.
Molecular consequence: missense variant. On other transcripts: non-coding transcript variant (1).
Genome position (GRCh38, 1-based): chr1:103,002,770, G>A on the plus strand (C>T on the coding strand, the complement: COL11A1 is on the minus strand). VCF-style: chr1-103002770-G-A. GRCh37 (hg19) VCF-style: chr1-103468326-G-A.
Other names: c.1903C>T, p.Pro635Ser (NM_001190709.2); c.2056C>T, p.Pro686Ser (NM_080629.3); c.1672C>T, p.Pro558Ser (NM_080630.4); short protein forms P674S, P686S, P558S, P635S.
Identifiers: ClinVar variation 291526 (VCV000291526.24), dbSNP rs201849355, ClinGen allele CA974667.

ClinVar aggregate classification (germline): Conflicting classifications of pathogenicity. Review status: criteria provided, conflicting classifications (1 of 4 stars). 6 submissions from 5 submitters: Uncertain significance (5); Likely benign (1). Last evaluated 2026-08-23.

Conditions:
Intervertebral disc disorder (IDD). Also called: Lumbar disk degenerative disorder; INTERVERTEBRAL DISC DISEASE. Identifiers: MedGen C0158252, MONDO:0044339, OMIM 603932.
Stickler syndrome type 2 (STL2). Also called: STICKLER SYNDROME, TYPE II; COL11A1-Related Stickler Syndrome; STICKLER SYNDROME, BEADED VITREOUS TYPE; STICKLER SYNDROME, VITREOUS TYPE 2. Identifiers: Orphanet 828, Orphanet 90654, MedGen C1858084, MONDO:0011493, OMIM 604841.
Marshall syndrome (MRSHS). Identifiers: Orphanet 560, MedGen C0265235, MONDO:0007949, OMIM 154780.
Fibrochondrogenesis 1 (FBCG1). Identifiers: Orphanet 2021, MedGen C3278138, MONDO:0009226, OMIM 228520.
Hearing loss, autosomal dominant 37. Also called: DEAFNESS, AUTOSOMAL DOMINANT 37. Identifiers: MedGen C4760307, MONDO:0032802, OMIM 618533.

Allele frequency attached by ClinVar (database versions not stated): gnomAD exomes 0.00010; TOPMed 0.00010; gnomAD 0.00011; 1000 Genomes Project 30x 0.00016; 1000 Genomes Project 0.00020.
gnomAD v4.1: 251 of 1,612,516 alleles (0.016%); highest among the groups gnomAD compares: Non-Finnish European, 0.019%; no homozygotes.

Submissions (6):

GeneDx
Classification: Uncertain significance. Last evaluated: 2026-08-23. Review status: criteria provided, single submitter. Criteria: GeneDx Variant Classification Process June 2021. Collection method: clinical testing. Allele origin: germline.
Comment: In silico analysis supports that this missense variant has a deleterious effect on protein structure/function; Has not been previously published as pathogenic or benign to our knowledge

Labcorp Genetics (formerly Invitae), Labcorp
Classification: Likely benign. Last evaluated: 2025-12-28. Review status: criteria provided, single submitter. Criteria: Invitae Variant Classification Sherloc (09022015). Collection method: clinical testing. Allele origin: germline.

Blueprint Genetics
Classification: Uncertain significance. Last evaluated: 2024-11-07. Review status: criteria provided, single submitter. Criteria: ACMG Guidelines, 2015. Collection method: clinical testing. Allele origin: germline.

Fulgent Genetics
Classification: Uncertain significance for Marshall syndrome; Fibrochondrogenesis 1; Intervertebral disc disorder; Stickler syndrome type 2; Hearing loss, autosomal dominant 37. Last evaluated: 2024-03-27. Review status: criteria provided, single submitter. Criteria: ACMG Guidelines, 2015. Collection method: clinical testing. Allele origin: germline.

Illumina Laboratory Services, Illumina
Classification: Uncertain significance for Stickler syndrome type 2. Last evaluated: 2018-01-13. Review status: criteria provided, single submitter. Criteria: ICSL Variant Classification Criteria 13 December 2019. Collection method: clinical testing. Allele origin: germline.

Illumina Laboratory Services, Illumina
Classification: Uncertain significance for Fibrochondrogenesis 1. Last evaluated: 2018-01-13. Review status: criteria provided, single submitter. Criteria: ICSL Variant Classification Criteria 13 December 2019. Collection method: clinical testing. Allele origin: germline.